The following is an entry in ClinVar:

ClinVar aggregate classification (germline): Uncertain significance (1 of 4 stars; one submission).

Conditions:
DYRK1B-related disorder. Also called: DYRK1B-related condition.

gnomAD v4.1: 8 of 1,521,544 alleles (0.00053%); highest among the groups gnomAD compares: African/African-American, 0.0014%; no homozygotes.

Submission:

PreventionGenetics, part of Exact Sciences
Classification: Uncertain significance for DYRK1B-related condition. Last evaluated: 2025-08-27. Review status: criteria provided, single submitter. Criteria: ACMG Guidelines, 2015. Collection method: clinical testing. Allele origin: germline.
Comment: The DYRK1B c.1585C>T variant is predicted to result in the amino acid substitution p.Pro529Ser. To our knowledge, this variant has not been reported in the literature or in a large population database, indicating this variant is rare. At this time, the clinical significance of this variant is uncertain due to the absence of conclusive functional and genetic evidence.

NM_004714.3(DYRK1B):c.1585C>T (p.Pro529Ser)

Gene: DYRK1B (dual specificity tyrosine phosphorylation regulated kinase 1B; minus strand). Cytogenetic location: 19q13.2.
Variant type: single nucleotide variant.
Coding change: c.1585C>T on transcript NM_004714.3 (MANE Select); coding-DNA position 1585, C replaced by T.
Protein change: p.Pro529Ser; replaces proline 529 with serine.
Molecular consequence: missense variant.
Genome position (GRCh38, 1-based): chr19:39,826,020, G>A on the plus strand (C>T on the coding strand, the complement: DYRK1B is on the minus strand). VCF-style: chr19-39826020-G-A. GRCh37 (hg19) VCF-style: chr19-40316660-G-A.
Other names: c.1465C>T, p.Pro489Ser (NM_006483.3); c.1501C>T, p.Pro501Ser (NM_006484.3); short protein forms P489S, P501S, P529S.
Identifiers: ClinVar variation 3344259 (VCV003344259.2).